The following is an entry in ClinVar:

NM_001365276.2(TNXB):c.1106G>A (p.Ser369Asn)

Gene: TNXB (tenascin XB; minus strand). Cytogenetic location: 6p21.33.
Variant type: single nucleotide variant.
Coding change: c.1106G>A on transcript NM_001365276.2 (MANE Select); coding-DNA position 1106, G replaced by A.
Protein change: p.Ser369Asn; replaces serine 369 with asparagine.
Molecular consequence: missense variant.
Genome position (GRCh38, 1-based): chr6:32,096,747, C>T on the plus strand (G>A on the coding strand, the complement: TNXB is on the minus strand). VCF-style: chr6-32096747-C-T. GRCh37 (hg19) VCF-style: chr6-32064524-C-T.
Other names: c.1106G>A, p.Ser369Asn (NM_019105.8); short protein forms S369N.
Identifiers: ClinVar variation 1187461 (VCV001187461.5), dbSNP rs779507521, ClinGen allele CA3735732.

ClinVar aggregate classification (germline): Uncertain significance. Review status: criteria provided, multiple submitters, no conflicts (2 of 4 stars). 2 submissions from 2 submitters: Uncertain significance (2). Last evaluated 2024-11-25.

Conditions:
Cardiovascular phenotype. Identifiers: MedGen CN230736.

Allele frequency attached by ClinVar (database versions not stated): gnomAD 0.00001; TOPMed 0.00006; gnomAD exomes 0.00022; ExAC 0.00025.
gnomAD v4.1: 43 of 1,554,552 alleles (0.0028%); highest among the groups gnomAD compares: Admixed American, 0.083%; no homozygotes.

Submissions (2):

Ambry Genetics
Classification: Uncertain significance for Cardiovascular phenotype. Last evaluated: 2024-11-25. Review status: criteria provided, single submitter. Criteria: Ambry Variant Classification Scheme 2023. Collection method: clinical testing. Allele origin: germline.

GeneDx
Classification: Uncertain significance. Last evaluated: 2021-06-29. Review status: criteria provided, single submitter. Criteria: GeneDx Variant Classification Process June 2021. Collection method: clinical testing. Allele origin: germline. Affected: yes.
Comment: Has not been previously published as pathogenic or benign to our knowledge; In silico analysis supports that this missense variant does not alter protein structure/function; This variant is associated with the following publications: (PMID: 27535533)